The following is an entry in ClinVar:

NM_024301.5(FKRP):c.448G>A (p.Ala150Thr)

Gene: FKRP (fukutin related protein; plus strand). Cytogenetic location: 19q13.32.
Variant type: single nucleotide variant.
Coding change: c.448G>A on transcript NM_024301.5 (MANE Select); coding-DNA position 448, G replaced by A.
Protein change: p.Ala150Thr; replaces alanine 150 with threonine.
Molecular consequence: missense variant.
Genome position (GRCh38, 1-based): chr19:46,755,898, G>A. VCF-style: chr19-46755898-G-A. GRCh37 (hg19) VCF-style: chr19-47259155-G-A.
Other names: c.448G>A, p.Ala150Thr (NM_001039885.3); short protein forms A150T.
Identifiers: ClinVar variation 1987805 (VCV001987805.1), dbSNP rs1426144016, ClinGen allele CA406495347.

ClinVar aggregate classification (germline): Uncertain significance (1 of 4 stars; one submission).

Conditions:
Walker-Warburg congenital muscular dystrophy. Also called: Muscular dystrophy-dystroglycanopathy, type A; Walker-Warburg syndrome. Identifiers: Orphanet 899, MedGen C0265221, MONDO:0000171.

gnomAD v4.1: 1 of 1,516,382 alleles (0.000066%); highest among the groups gnomAD compares: Non-Finnish European, 0.000088%; no homozygotes.

Submission:

Labcorp Genetics (formerly Invitae), Labcorp
Classification: Uncertain significance for Walker-Warburg congenital muscular dystrophy. Last evaluated: 2022-05-04. Review status: criteria provided, single submitter. Criteria: Invitae Variant Classification Sherloc (09022015). Collection method: clinical testing. Allele origin: germline.
Comment: This sequence change replaces alanine, which is neutral and non-polar, with threonine, which is neutral and polar, at codon 150 of the FKRP protein (p.Ala150Thr). This variant is not present in population databases (gnomAD no frequency). This variant has not been reported in the literature in individuals affected with FKRP-related conditions. Algorithms developed to predict the effect of missense changes on protein structure and function (SIFT, PolyPhen-2, Align-GVGD) all suggest that this variant is likely to be tolerated. In summary, the available evidence is currently insufficient to determine the role of this variant in disease. Therefore, it has been classified as a Variant of Uncertain Significance.